The following is an entry in ClinVar:

ClinVar aggregate classification (germline): Likely pathogenic (1 of 4 stars; one submission).

Conditions:
Polycystic kidney disease 4 (PKD4). Also called: POLYCYSTIC KIDNEY AND HEPATIC DISEASE 1; POLYCYSTIC KIDNEY DISEASE, INFANTILE, TYPE I; PKD3; Autosomal Recessive Polycystic Kidney Disease – PKHD1; POLYCYSTIC KIDNEY DISEASE 4 WITH OR WITHOUT POLYCYSTIC LIVER DISEASE. Identifiers: MedGen C4540575, MONDO:0033004, OMIM 263200.

Submission:

Department of Molecular Genetics, Istishari Arab Hospital
Classification: Likely pathogenic for Polycystic kidney disease 4. Last evaluated: 2026-01-17. Review status: criteria provided, single submitter. Criteria: ACMG Guidelines, 2015. Collection method: clinical testing. Allele origin: germline. Inheritance: Autosomal recessive inheritance. Affected: yes.
Comment: The PKHD1 variant c.2911T>C, p.Cys971Arg creates a change in the amino acid from Cys to Arg at position 971. This variant was not observed in the gnomAD v4.1.0 dataset and was not previously reported in the literature. In-house, this variant was previously reported as disease-causing in two apparently unrelated patients with polycystic kidney disease. It is classified as likely pathogenic based on ACMG recommendations

NM_138694.4(PKHD1):c.2911T>C (p.Cys971Arg)

Gene: PKHD1 (PKHD1 ciliary IPT domain containing fibrocystin/polyductin; minus strand). Cytogenetic location: 6p12.2.
Variant type: single nucleotide variant.
Coding change: c.2911T>C on transcript NM_138694.4 (MANE Select); coding-DNA position 2911, T replaced by C.
Protein change: p.Cys971Arg; replaces cysteine 971 with arginine.
Molecular consequence: missense variant.
Genome position (GRCh38, 1-based): chr6:52,043,045, A>G on the plus strand (T>C on the coding strand, the complement: PKHD1 is on the minus strand). VCF-style: chr6-52043045-A-G. GRCh37 (hg19) VCF-style: chr6-51907843-A-G.
Other names: p.Cys971Arg; c.2911T>C, p.Cys971Arg (NM_170724.3); short protein forms C971R.
Identifiers: ClinVar variation 4686085 (VCV004686085.1).